The following is an entry in ClinVar:

ClinVar aggregate classification (germline): Uncertain significance (1 of 4 stars; one submission).

Conditions:
IFT172-related disorder. Also called: IFT172-related condition; IFT172-related disorders.

Submission:

PreventionGenetics, part of Exact Sciences
Classification: Uncertain significance for IFT172-related condition. Last evaluated: 2026-03-09. Review status: criteria provided, single submitter. Criteria: ACMG Guidelines, 2015. Collection method: clinical testing. Allele origin: germline.
Comment: The IFT172 c.4759G>T variant is predicted to result in the amino acid substitution p.Val1587Phe. To our knowledge, this variant has not been reported in the literature or in a large population database (gnomAD), indicating this variant is rare. At this time, the clinical significance of this variant is uncertain due to the absence of conclusive functional and genetic evidence.

NM_015662.3(IFT172):c.4759G>T (p.Val1587Phe)

Genes: IFT172 (intraflagellar transport 172; minus strand), KRTCAP3 (keratinocyte associated protein 3; plus strand). Cytogenetic location: 2p23.3.
Variant type: single nucleotide variant.
Coding change: c.4759G>T on transcript NM_015662.3 (MANE Select); coding-DNA position 4759, G replaced by T.
Protein change: p.Val1587Phe; replaces valine 1587 with phenylalanine.
Molecular consequence: missense variant. On other transcripts: intron variant (1).
Genome position (GRCh38, 1-based): chr2:27,445,985, C>A on the plus strand (G>T on the coding strand, the complement: IFT172 is on the minus strand). VCF-style: chr2-27445985-C-A. GRCh37 (hg19) VCF-style: chr2-27668852-C-A.
Other names: c.4693G>T, p.Val1565Phe (NM_001410739.1); c.*6-316C>A (NM_001168364.2); short protein forms V1565F, V1587F.
Identifiers: ClinVar variation 4983285 (VCV004983285.1).